The following is an entry in ClinVar:

ClinVar aggregate classification (germline): Uncertain significance. Review status: criteria provided, multiple submitters, no conflicts (2 of 4 stars). 2 submissions from 2 submitters: Uncertain significance (2). Last evaluated 2025-06-10.

Conditions:
Epileptic encephalopathy. Identifiers: MedGen C0543888, HP:0200134.

Allele frequency attached by ClinVar (database versions not stated): gnomAD exomes below 0.00001.
gnomAD v4.1: 1 of 1,604,534 alleles (0.000062%); highest among the groups gnomAD compares: Non-Finnish European, 0.000085%; no homozygotes.

Submissions (2):

Ambry Genetics
Classification: Uncertain significance. Last evaluated: 2025-06-10. Review status: criteria provided, single submitter. Criteria: Ambry Variant Classification Scheme 2023. Collection method: clinical testing. Allele origin: germline.

Labcorp Genetics (formerly Invitae), Labcorp
Classification: Uncertain significance for Epileptic encephalopathy. Last evaluated: 2019-12-13. Review status: criteria provided, single submitter. Criteria: Invitae Variant Classification Sherloc (09022015). Collection method: clinical testing. Allele origin: germline.
Comment: This variant has not been reported in the literature in individuals with RYR3-related conditions. This variant is not present in population databases (ExAC no frequency). This sequence change replaces glutamine with arginine at codon 1551 of the RYR3 protein (p.Gln1551Arg). The glutamine residue is highly conserved and there is a small physicochemical difference between glutamine and arginine. Algorithms developed to predict the effect of missense changes on protein structure and function (SIFT, PolyPhen-2, Align-GVGD) all suggest that this variant is likely to be tolerated, but these predictions have not been confirmed by published functional studies and their clinical significance is uncertain. In summary, the available evidence is currently insufficient to determine the role of this variant in disease. Therefore, it has been classified as a Variant of Uncertain Significance.

NM_001036.6(RYR3):c.4652A>G (p.Gln1551Arg)

Gene: RYR3 (ryanodine receptor 3; plus strand). Cytogenetic location: 15q14.
Variant type: single nucleotide variant.
Coding change: c.4652A>G on transcript NM_001036.6 (MANE Select); coding-DNA position 4652, A replaced by G.
Protein change: p.Gln1551Arg; replaces glutamine 1551 with arginine.
Molecular consequence: missense variant.
Genome position (GRCh38, 1-based): chr15:33,662,182, A>G. VCF-style: chr15-33662182-A-G. GRCh37 (hg19) VCF-style: chr15-33954383-A-G.
Other names: c.4652A>G, p.Gln1551Arg (NM_001243996.4); c.4652A>G (NM_001036.3); short protein forms Q1551R.
Identifiers: ClinVar variation 863571 (VCV000863571.10), dbSNP rs2063205205, ClinGen allele CA391568340.
Genomic context (GRCh38, chr15:33,662,182, plus strand): 5'-TGGTGTGGCTGATTGCTCGTCCTGTCCTCAGGTGTGTGGATATCCTGGAGCTCTGTGAGC[A>G]GGAGGACCTGATGCGGTTCCATTACCACACGCTGAGGCTCTACAGCGCGGTGTGCGCCCT-3'
Protein context (NP_001027.3, residues 1541-1561): RCVDILELCE[Gln1551Arg]EDLMRFHYHT